The following is an entry in ClinVar:

ClinVar aggregate classification (germline): Uncertain significance (1 of 4 stars; one submission).

Conditions:
LAMA5-related disorder. Also called: LAMA5-Related Disorders; LAMA5-related condition.

Submission:

PreventionGenetics, part of Exact Sciences
Classification: Uncertain significance for LAMA5-related condition. Last evaluated: 2026-03-18. Review status: criteria provided, single submitter. Criteria: ACMG Guidelines, 2015. Collection method: clinical testing. Allele origin: germline.
Comment: The LAMA5 c.10735-5delinsTCCCTTCCTACCCCT variant is predicted to result in an in-frame deletion and insertion. To our knowledge, this variant has not been reported in the literature. This variant is reported in 0.20% of alleles in individuals of Ashkenazi Jewish descent in gnomAD. Although we suspect that this variant may be benign, at this time, the clinical significance of this variant is uncertain due to the absence of conclusive functional and genetic evidence.

NM_005560.6(LAMA5):c.10735-5delinsTCCCTTCCTACCCCT

Gene: LAMA5 (laminin subunit alpha 5; minus strand). Cytogenetic location: 20q13.33.
Variant type: Indel.
Coding change: c.10735-5delinsTCCCTTCCTACCCCT on transcript NM_005560.6 (MANE Select); 5 bases into the intron before coding-DNA position 10735, G replaced by TCCCTTCCTACCCCT.
Molecular consequence: intron variant.
Genome position (GRCh38, 1-based): chr20:62,310,086, C replaced by AGGGGTAGGAAGGGA on the plus strand (G replaced by TCCCTTCCTACCCCT on the coding strand, the reverse complement: LAMA5 is on the minus strand). VCF-style: chr20-62310086-C-AGGGGTAGGAAGGGA. GRCh37 (hg19) VCF-style: chr20-60885142-C-AGGGGTAGGAAGGGA.
Identifiers: ClinVar variation 4981348 (VCV004981348.1).